The following is an entry in ClinVar:

ClinVar aggregate classification (germline): Likely benign (1 of 4 stars; one submission).

Conditions:
SMARCA2-related disorder. Also called: SMARCA2-related condition.

gnomAD v4.1: 37 of 1,586,428 alleles (0.0023%); highest among the groups gnomAD compares: Non-Finnish European, 0.0032%; no homozygotes.

Submission:

PreventionGenetics, part of Exact Sciences
Classification: Likely benign for SMARCA2-related condition. Last evaluated: 2025-12-21. Review status: criteria provided, single submitter. Criteria: ACMG Guidelines, 2015. Collection method: clinical testing. Allele origin: germline.
Comment: This variant is classified as likely benign based on ACMG/AMP sequence variant interpretation guidelines (Richards et al. 2015 PMID: 25741868, with internal and published modifications).

NM_003070.5(SMARCA2):c.2797T>C (p.Leu933=)

Gene: SMARCA2 (SWI/SNF related BAF chromatin remodeling complex subunit ATPase 2; plus strand). Cytogenetic location: 9p24.3.
Variant type: single nucleotide variant.
Coding change: c.2797T>C on transcript NM_003070.5 (MANE Select); coding-DNA position 2797, T replaced by C.
Protein change: p.Leu933=; no amino-acid change (leucine 933 retained).
Molecular consequence: synonymous variant.
Genome position (GRCh38, 1-based): chr9:2,088,527, T>C. VCF-style: chr9-2088527-T-C. GRCh37 (hg19) VCF-style: chr9-2088527-T-C.
Other names: c.2797T>C, p.Leu933= (NM_001289396.2, NM_139045.4); c.2623T>C, p.Leu875= (NM_001289397.2).
Identifiers: ClinVar variation 4990051 (VCV004990051.1).